The following is an entry in ClinVar:

ClinVar aggregate classification (germline): Uncertain significance (1 of 4 stars; one submission).

Submission:

Labcorp Genetics (formerly Invitae), Labcorp
Classification: Uncertain significance. Last evaluated: 2023-03-19. Review status: criteria provided, single submitter. Criteria: Invitae Variant Classification Sherloc (09022015). Collection method: clinical testing. Allele origin: germline.
Comment: This sequence change replaces aspartic acid, which is acidic and polar, with tyrosine, which is neutral and polar, at codon 1010 of the ADCY1 protein (p.Asp1010Tyr). This variant is not present in population databases (gnomAD no frequency). This variant has not been reported in the literature in individuals affected with ADCY1-related conditions. Advanced modeling of protein sequence and biophysical properties (such as structural, functional, and spatial information, amino acid conservation, physicochemical variation, residue mobility, and thermodynamic stability) performed at Invitae indicates that this missense variant is not expected to disrupt ADCY1 protein function. In summary, the available evidence is currently insufficient to determine the role of this variant in disease. Therefore, it has been classified as a Variant of Uncertain Significance.

NM_021116.4(ADCY1):c.3028G>T (p.Asp1010Tyr)

Gene: ADCY1 (adenylate cyclase 1; plus strand). Cytogenetic location: 7p12.3.
Variant type: single nucleotide variant.
Coding change: c.3028G>T on transcript NM_021116.4 (MANE Select); coding-DNA position 3028, G replaced by T.
Protein change: p.Asp1010Tyr; replaces aspartic acid 1010 with tyrosine.
Molecular consequence: missense variant.
Genome position (GRCh38, 1-based): chr7:45,710,623, G>T. VCF-style: chr7-45710623-G-T. GRCh37 (hg19) VCF-style: chr7-45750222-G-T.
Other names: short protein forms D1010Y.
Identifiers: ClinVar variation 2830178 (VCV002830178.3), dbSNP rs2484217039, ClinGen allele CA367448506.